The following is an entry in ClinVar:

NM_005708.5(GPC6):c.1241C>T (p.Ala414Val)

Gene: GPC6 (glypican 6; plus strand). Cytogenetic location: 13q31.3.
Variant type: single nucleotide variant.
Coding change: c.1241C>T on transcript NM_005708.5 (MANE Select); coding-DNA position 1241, C replaced by T.
Protein change: p.Ala414Val; replaces alanine 414 with valine.
Molecular consequence: missense variant.
Genome position (GRCh38, 1-based): chr13:94,382,502, C>T. VCF-style: chr13-94382502-C-T. GRCh37 (hg19) VCF-style: chr13-95034756-C-T.
Other names: short protein forms A414V.
Identifiers: ClinVar variation 2159945 (VCV002159945.1), dbSNP rs754253693, ClinGen allele CA7017129.

ClinVar aggregate classification (germline): Uncertain significance (1 of 4 stars; one submission).

Allele frequency attached by ClinVar (database versions not stated): ExAC 0.00002; gnomAD 0.00002; TOPMed 0.00002; 1000 Genomes Project 30x 0.00016.
gnomAD v4.1: 17 of 1,614,086 alleles (0.0011%); highest among the groups gnomAD compares: East Asian, 0.0045%; no homozygotes.

Submission:

Labcorp Genetics (formerly Invitae), Labcorp
Classification: Uncertain significance. Last evaluated: 2022-06-30. Review status: criteria provided, single submitter. Criteria: Invitae Variant Classification Sherloc (09022015). Collection method: clinical testing. Allele origin: germline.
Comment: This sequence change replaces alanine, which is neutral and non-polar, with valine, which is neutral and non-polar, at codon 414 of the GPC6 protein (p.Ala414Val). The frequency data for this variant in the population databases is considered unreliable, as metrics indicate poor data quality at this position in the gnomAD database. This variant has not been reported in the literature in individuals affected with GPC6-related conditions. Algorithms developed to predict the effect of missense changes on protein structure and function (SIFT, PolyPhen-2, Align-GVGD) all suggest that this variant is likely to be tolerated. In summary, the available evidence is currently insufficient to determine the role of this variant in disease. Therefore, it has been classified as a Variant of Uncertain Significance.